The following is an entry in ClinVar:

NM_014874.4(MFN2):c.2041G>A (p.Gly681Ser)

Gene: MFN2 (mitofusin 2; plus strand). Cytogenetic location: 1p36.22.
Variant type: single nucleotide variant.
Coding change: c.2041G>A on transcript NM_014874.4 (MANE Select); coding-DNA position 2041, G replaced by A.
Protein change: p.Gly681Ser; replaces glycine 681 with serine.
Molecular consequence: missense variant.
Genome position (GRCh38, 1-based): chr1:12,007,221, G>A. VCF-style: chr1-12007221-G-A. GRCh37 (hg19) VCF-style: chr1-12067278-G-A.
Other names: c.2041G>A, p.Gly681Ser (NM_001127660.2); short protein forms G681S.
Identifiers: ClinVar variation 1256234 (VCV001256234.3), dbSNP rs2100858769, ClinGen allele CA338451669.

ClinVar aggregate classification (germline): Uncertain significance. Review status: criteria provided, multiple submitters, no conflicts (2 of 4 stars). 2 submissions from 2 submitters: Uncertain significance (2). Last evaluated 2025-06-25.

Conditions:
Charcot-Marie-Tooth disease type 2. Also called: Charcot-Marie-Tooth type 2. Identifiers: Orphanet 64746, MedGen C0270914, MONDO:0018993.

Allele frequency attached by ClinVar (database versions not stated): gnomAD exomes 0.00001.
gnomAD v4.1: 6 of 1,614,074 alleles (0.00037%); highest among the groups gnomAD compares: Non-Finnish European, 0.00051%; no homozygotes.

Submissions (2):

Labcorp Genetics (formerly Invitae), Labcorp
Classification: Uncertain significance for Charcot-Marie-Tooth disease type 2. Last evaluated: 2025-06-25. Review status: criteria provided, single submitter. Criteria: Invitae Variant Classification Sherloc (09022015). Collection method: clinical testing. Allele origin: germline.
Comment: This sequence change replaces glycine, which is neutral and non-polar, with serine, which is neutral and polar, at codon 681 of the MFN2 protein (p.Gly681Ser). This variant is not present in population databases (gnomAD no frequency). This variant has not been reported in the literature in individuals affected with MFN2-related conditions. ClinVar contains an entry for this variant (Variation ID: 1256234). Invitae Evidence Modeling of protein sequence and biophysical properties (such as structural, functional, and spatial information, amino acid conservation, physicochemical variation, residue mobility, and thermodynamic stability) indicates that this missense variant is not expected to disrupt MFN2 protein function with a negative predictive value of 95%. In summary, the available evidence is currently insufficient to determine the role of this variant in disease. Therefore, it has been classified as a Variant of Uncertain Significance.

Athena Diagnostics
Classification: Uncertain significance. Last evaluated: 2021-06-28. Review status: criteria provided, single submitter. Criteria: Athena Diagnostics Criteria. Collection method: clinical testing. Allele origin: unknown.